The following is an entry in ClinVar:

ClinVar aggregate classification (germline): Likely benign (1 of 4 stars; one submission).

gnomAD v4.1: 404 of 1,614,078 alleles (0.025%); highest among the groups gnomAD compares: Admixed American, 0.66%; 4 homozygotes.

Submission:

CeGaT Center for Human Genetics Tuebingen
Classification: Likely benign. Last evaluated: 2026-05-01. Review status: criteria provided, single submitter. Criteria: CeGaT Center For Human Genetics Tuebingen Variant Classification Criteria Version 2. Collection method: clinical testing. Allele origin: germline. Affected: yes. Observed: 1 variant allele.
Comment: PI4KB: BP4, BP7

NM_001369623.2(PI4KB):c.636T>C (p.Cys212=)

Gene: PI4KB (phosphatidylinositol 4-kinase beta; minus strand). Cytogenetic location: 1q21.3.
Variant type: single nucleotide variant.
Coding change: c.636T>C on transcript NM_001369623.2 (MANE Select); coding-DNA position 636, T replaced by C.
Protein change: p.Cys212=; no amino-acid change (cysteine 212 retained).
Molecular consequence: synonymous variant. On other transcripts: intron variant (1).
Genome position (GRCh38, 1-based): chr1:151,315,846, A>G on the plus strand (T>C on the coding strand, the complement: PI4KB is on the minus strand). VCF-style: chr1-151315846-A-G. GRCh37 (hg19) VCF-style: chr1-151288322-A-G.
Other names: c.636T>C, p.Cys212= (NM_001198773.3, NM_001198774.2, NM_001330721.2 and 3 more transcripts); c.672T>C, p.Cys224= (NM_001369625.1, NM_001369628.1, NM_002651.4); c.-42-8045T>C (NM_001198775.3).
Identifiers: ClinVar variation 4872648 (VCV004872648.2).